The following is an entry in ClinVar:

ClinVar aggregate classification (germline): Pathogenic (1 of 4 stars; one submission).

Conditions:
Deficiency of malonyl-CoA decarboxylase. Also called: Malonic aciduria; MCD deficiency. Identifiers: Orphanet 943, MedGen C0342793, MONDO:0009556, OMIM 248360.

Submission:

Labcorp Genetics (formerly Invitae), Labcorp
Classification: Pathogenic for Deficiency of malonyl-CoA decarboxylase. Last evaluated: 2022-07-19. Review status: criteria provided, single submitter. Criteria: Invitae Variant Classification Sherloc (09022015). Collection method: clinical testing. Allele origin: germline.
Comment: A gross deletion of the genomic region encompassing the full coding sequence of the MLYCD gene has been identified. Loss-of-function variants in MLYCD are known to be pathogenic (PMID: 12955715, 17186413). The boundaries of this event are unknown as they extend beyond the assayed region for this gene and therefore may encompass additional genes. A similar copy number variant has been observed in individual(s) with malonyl-coenzyme A decarboxylase deficiency (PMID: 17186413). For these reasons, this variant has been classified as Pathogenic.

Literature cited by the submitters: PubMed 12955715; PubMed 17186413.

NC_000016.9:g.(?_83932750)_(84056514_?)del

Genes: MLYCD (malonyl-CoA decarboxylase; plus strand), SLC38A8 (solute carrier family 38 member 8; minus strand), OSGIN1 (oxidative stress induced growth inhibitor 1; plus strand), NECAB2 (N-terminal EF-hand calcium binding protein 2; plus strand). Cytogenetic location: 16q23.3.
Variant type: Deletion.
Identifiers: ClinVar variation 1458761 (VCV001458761.4).